The following is an entry in ClinVar:

NM_016156.6(MTMR2):c.810A>C (p.Leu270Phe)

Gene: MTMR2 (myotubularin related protein 2; minus strand). Cytogenetic location: 11q21.
Variant type: single nucleotide variant.
Coding change: c.810A>C on transcript NM_016156.6 (MANE Select); coding-DNA position 810, A replaced by C.
Protein change: p.Leu270Phe; replaces leucine 270 with phenylalanine.
Molecular consequence: missense variant.
Genome position (GRCh38, 1-based): chr11:95,849,857, T>G on the plus strand (A>C on the coding strand, the complement: MTMR2 is on the minus strand). VCF-style: chr11-95849857-T-G. GRCh37 (hg19) VCF-style: chr11-95583021-T-G.
Other names: p.Leu270Phe; c.594A>C, p.Leu198Phe (NM_001243571.2, NM_201278.3, NM_201281.3); short protein forms L270F, L198F.
Identifiers: ClinVar variation 157536 (VCV000157536.12), dbSNP rs587779385, ClinGen allele CA270955.

ClinVar aggregate classification (germline): Uncertain significance. Review status: criteria provided, multiple submitters, no conflicts (2 of 4 stars). 4 submissions from 4 submitters: Uncertain significance (3). 1 of the submissions does not count toward it. Last evaluated 2026-04-23.

Conditions:
Charcot-Marie-Tooth disease. Also called: Charcot-Marie-Tooth Neuropathy; Charcot-Marie-Tooth Hereditary Neuropathy. Identifiers: Orphanet 166, MedGen C0007959, MONDO:0015626.
Charcot-Marie-Tooth disease type 4. Also called: Charcot-Marie-Tooth disease, type IV; Charcot-Marie-Tooth, Type 4. Identifiers: Orphanet 64749, MedGen C4082197, MONDO:0018995.

Allele frequency attached by ClinVar (database versions not stated): gnomAD exomes 0.00013; ExAC 0.00020; gnomAD 0.00007; TOPMed 0.00007.
gnomAD v4.1: 140 of 1,613,830 alleles (0.0087%); highest among the groups gnomAD compares: Non-Finnish European, 0.011%; no homozygotes.

Submissions (4):

GeneDx
Classification: Uncertain significance. Last evaluated: 2026-04-23. Review status: criteria provided, single submitter. Criteria: GeneDx Variant Classification Process June 2021. Collection method: clinical testing. Allele origin: germline.
Comment: Reported as a heterozygous variant in a patient with axonal Charcot-Marie-Tooth disease in the published literature; however, a second variant in MTMR2 was not reported (PMID: 25025039); In silico analysis supports that this missense variant has a deleterious effect on protein structure/function; This variant is associated with the following publications: (PMID: 25025039, 23962696)

Mayo Clinic Laboratories, Mayo Clinic
Classification: Uncertain significance. Last evaluated: 2024-12-24. Review status: criteria provided, single submitter. Criteria: ACMG Guidelines, 2015. Collection method: clinical testing. Allele origin: germline. Observed: 2 variant alleles.
Comment: PP3_moderate

Labcorp Genetics (formerly Invitae), Labcorp
Classification: Uncertain significance for Charcot-Marie-Tooth disease type 4. Last evaluated: 2022-08-15. Review status: criteria provided, single submitter. Criteria: Invitae Variant Classification Sherloc (09022015). Collection method: clinical testing. Allele origin: germline.
Comment: This sequence change replaces leucine, which is neutral and non-polar, with phenylalanine, which is neutral and non-polar, at codon 270 of the MTMR2 protein (p.Leu270Phe). This variant is present in population databases (rs587779385, gnomAD 0.03%). This missense change has been observed in individual(s) with Charcot-Marie-Tooth disease (PMID: 25025039). ClinVar contains an entry for this variant (Variation ID: 157536). Advanced modeling of protein sequence and biophysical properties (such as structural, functional, and spatial information, amino acid conservation, physicochemical variation, residue mobility, and thermodynamic stability) performed at Invitae indicates that this missense variant is expected to disrupt MTMR2 protein function. In summary, the available evidence is currently insufficient to determine the role of this variant in disease. Therefore, it has been classified as a Variant of Uncertain Significance.

Dept. of Medical Genetics, Telemark Hospital Trust, Telemark Hospital Trust
Classification: Uncertain significance for Charcot-Marie-Tooth disease. Last evaluated: 2013-11-01. Review status: no assertion criteria provided. Collection method: research. Allele origin: unknown. Affected: yes. Study: Charcot-Marie-Tooth disease study. Not counted in ClinVar's aggregate classification.
Comment: Populational based study of Charcot-Marie-Tooth disease in Norway

Literature cited by the submitters: PubMed 25025039 (cited by Labcorp Genetics (formerly Invitae), Labcorp and Dept. of Medical Genetics, Telemark Hospital Trust, Telemark Hospital Trust); PMC 4306395 (cited by Dept. of Medical Genetics, Telemark Hospital Trust, Telemark Hospital Trust).